The following is an entry in ClinVar:

ClinVar aggregate classification (germline): Likely benign. Review status: criteria provided, multiple submitters, no conflicts (2 of 4 stars). 3 submissions from 3 submitters: Likely benign (3). Last evaluated 2025-09-26.

Conditions:
Cardiovascular phenotype. Identifiers: MedGen CN230736.

Allele frequency attached by ClinVar (database versions not stated): gnomAD 0.00009; gnomAD exomes 0.00010 and 0.00018; TOPMed 0.00010; ExAC 0.00012; ESP Exome Variant Server 0.00015.
gnomAD v4.1: 280 of 1,614,032 alleles (0.017%); highest among the groups gnomAD compares: Non-Finnish European, 0.022%; no homozygotes.

Submissions (3):

Labcorp Genetics (formerly Invitae), Labcorp
Classification: Likely benign. Last evaluated: 2025-09-26. Review status: criteria provided, single submitter. Criteria: Invitae Variant Classification Sherloc (09022015). Collection method: clinical testing. Allele origin: germline.

Ambry Genetics
Classification: Likely benign for Cardiovascular phenotype. Last evaluated: 2025-07-24. Review status: criteria provided, single submitter. Criteria: Ambry Variant Classification Scheme 2023. Collection method: clinical testing. Allele origin: germline.

CeGaT Center for Human Genetics Tuebingen
Classification: Likely benign. Last evaluated: 2022-08-01. Review status: criteria provided, single submitter. Criteria: CeGaT Center For Human Genetics Tuebingen Variant Classification Criteria Version 2. Collection method: clinical testing. Allele origin: germline. Affected: yes. Observed: 1 variant allele.
Comment: ABCA1: BP4

NM_005502.4(ABCA1):c.1893-4C>G

Gene: ABCA1 (ATP binding cassette subfamily A member 1; minus strand). Cytogenetic location: 9q31.1.
Variant type: single nucleotide variant.
Coding change: c.1893-4C>G on transcript NM_005502.4 (MANE Select); 4 bases into the intron before coding-DNA position 1893, C replaced by G.
Molecular consequence: intron variant.
Genome position (GRCh38, 1-based): chr9:104,829,142, G>C on the plus strand (C>G on the coding strand, the complement: ABCA1 is on the minus strand). VCF-style: chr9-104829142-G-C. GRCh37 (hg19) VCF-style: chr9-107591423-G-C.
Identifiers: ClinVar variation 720670 (VCV000720670.32), dbSNP rs376684614, ClinGen allele CA5168872.